The following is an entry in ClinVar:

ClinVar aggregate classification (germline): Uncertain significance (1 of 4 stars; one submission).

Allele frequency attached by ClinVar (database versions not stated): gnomAD exomes below 0.00001; TOPMed below 0.00001; gnomAD 0.00001.
gnomAD v4.1: 3 of 1,520,244 alleles (0.0002%); highest among the groups gnomAD compares: Non-Finnish European, 0.00018%; no homozygotes.

Submission:

Labcorp Genetics (formerly Invitae), Labcorp
Classification: Uncertain significance. Last evaluated: 2024-12-16. Review status: criteria provided, single submitter. Criteria: Invitae Variant Classification Sherloc (09022015). Collection method: clinical testing. Allele origin: germline.
Comment: This sequence change replaces glutamic acid, which is acidic and polar, with lysine, which is basic and polar, at codon 1072 of the ZNF469 protein (p.Glu1072Lys). This variant is present in population databases (no rsID available, gnomAD 0.01%). This variant has not been reported in the literature in individuals affected with ZNF469-related conditions. ClinVar contains an entry for this variant (Variation ID: 2104571). An algorithm developed to predict the effect of missense changes on protein structure and function (PolyPhen-2) suggests that this variant is likely to be disruptive. In summary, the available evidence is currently insufficient to determine the role of this variant in disease. Therefore, it has been classified as a Variant of Uncertain Significance.

NM_001367624.2(ZNF469):c.3298G>A (p.Glu1100Lys)

Gene: ZNF469 (zinc finger protein 469; plus strand). Cytogenetic location: 16q24.2.
Variant type: single nucleotide variant.
Coding change: c.3298G>A on transcript NM_001367624.2 (MANE Select); coding-DNA position 3298, G replaced by A.
Protein change: p.Glu1100Lys; replaces glutamic acid 1100 with lysine.
Molecular consequence: missense variant.
Genome position (GRCh38, 1-based): chr16:88,430,768, G>A. VCF-style: chr16-88430768-G-A. GRCh37 (hg19) VCF-style: chr16-88497176-G-A.
Other names: short protein forms E1100K.
Identifiers: ClinVar variation 2104571 (VCV002104571.4), dbSNP rs943263671, ClinGen allele CA286374722.